The following is an entry in ClinVar:

NM_000038.6(APC):c.6956G>T (p.Arg2319Ile)

Gene: APC (APC regulator of Wnt signaling pathway; plus strand). Cytogenetic location: 5q22.2.
Variant type: single nucleotide variant.
Coding change: c.6956G>T on transcript NM_000038.6 (MANE Select); coding-DNA position 6956, G replaced by T.
Protein change: p.Arg2319Ile; replaces arginine 2319 with isoleucine.
Molecular consequence: missense variant.
Genome position (GRCh38, 1-based): chr5:112,842,550, G>T. VCF-style: chr5-112842550-G-T. GRCh37 (hg19) VCF-style: chr5-112178247-G-T.
Other names: c.6956G>T, p.Arg2319Ile (NM_001127510.3, NM_001354895.2, NM_001407450.1); c.6902G>T, p.Arg2301Ile (NM_001127511.3); c.7010G>T, p.Arg2337Ile (NM_001354896.2, NM_001407447.1, NM_001407448.1 and 1 more transcripts); c.6986G>T, p.Arg2329Ile (NM_001354897.2); c.6881G>T, p.Arg2294Ile (NM_001354898.2); c.6872G>T, p.Arg2291Ile (NM_001354899.2); c.6833G>T, p.Arg2278Ile (NM_001354900.2); c.6779G>T, p.Arg2260Ile (NM_001354901.2, NM_001407453.1); and 11 more; short protein forms R2278I, R2309I, R2337I, R1935I, R2193I, R2218I, R2228I, R2036I.
Identifiers: ClinVar variation 1756301 (VCV001756301.2), dbSNP rs1561611537, ClinGen allele CA16036504.

ClinVar aggregate classification (germline): Uncertain significance (1 of 4 stars; one submission).

Conditions:
Hereditary cancer-predisposing syndrome. Also called: Neoplastic Syndromes, Hereditary; Tumor predisposition; Hereditary Cancer Syndrome; Hereditary neoplastic syndrome. Identifiers: Orphanet 140162, MedGen C0027672, MeSH D009386, MONDO:0015356.

Submission:

Ambry Genetics
Classification: Uncertain significance for Hereditary cancer-predisposing syndrome. Last evaluated: 2022-01-19. Review status: criteria provided, single submitter. Criteria: Ambry Variant Classification Scheme 2023. Collection method: clinical testing. Allele origin: germline.
Comment: The p.R2319I variant (also known as c.6956G>T), located in coding exon 15 of the APC gene, results from a G to T substitution at nucleotide position 6956. The arginine at codon 2319 is replaced by isoleucine, an amino acid with similar properties. This amino acid position is conserved. In addition, in silico predictors for this gene do not accurately predict pathogenicity. Since supporting evidence is limited at this time, the clinical significance of this alteration remains unclear.